The following is an entry in ClinVar:

NM_001164508.2(NEB):c.15734C>G (p.Pro5245Arg)

Gene: NEB (nebulin; minus strand). Cytogenetic location: 2q23.3.
Variant type: single nucleotide variant.
Coding change: c.15734C>G on transcript NM_001164508.2 (MANE Select); coding-DNA position 15734, C replaced by G.
Protein change: p.Pro5245Arg; replaces proline 5245 with arginine.
Molecular consequence: missense variant. On other transcripts: intron variant (1).
Genome position (GRCh38, 1-based): chr2:151,583,696, G>C on the plus strand (C>G on the coding strand, the complement: NEB is on the minus strand). VCF-style: chr2-151583696-G-C. GRCh37 (hg19) VCF-style: chr2-152440210-G-C.
Other names: c.15734C>G, p.Pro5245Arg (NM_001164507.2, NM_001271208.2); c.11602-7342C>G (NM_004543.5); short protein forms P5245R.
Identifiers: ClinVar variation 3051032 (VCV003051032.2), dbSNP rs2097161139, ClinGen allele CA348757571.
Genomic context (GRCh38, chr2:151,583,696, plus strand): 5'-GCTTTCTTATATTCTCTGTCACTCTGGATCTTGGCAGCATGTATAGCCCATACTGACTTG[G>C]GGTCATCTTGTAGGGTGCGGAAACCCATGTGGTGGCCCAGTTGCTTACGGTAACCTTCTT-3'
Protein context (NP_001157980.2, residues 5235-5255): HMGFRTLQDD[Pro5245Arg]KSVWAIHAAK

ClinVar aggregate classification (germline): Uncertain significance (0 of 4 stars; one submission).

Conditions:
NEB-related disorder. Also called: NEB-Related Disorders; NEB-related condition.

Submission:

PreventionGenetics, part of Exact Sciences
Classification: Uncertain significance for NEB-related condition. Last evaluated: 2023-11-22. Review status: no assertion criteria provided. Collection method: clinical testing. Allele origin: germline.
Comment: The NEB c.15734C>G variant is predicted to result in the amino acid substitution p.Pro5245Arg. To our knowledge, this variant has not been reported in the literature or in a large population database, indicating this variant is rare. This variant falls within a highly paralogous region. Allele frequency data should be interpreted with caution. At this time, the clinical significance of this variant is uncertain due to the absence of conclusive functional and genetic evidence.